The following is an entry in ClinVar:

NM_001256317.3(TMPRSS3):c.952+1G>T

Gene: TMPRSS3 (transmembrane serine protease 3; minus strand). Cytogenetic location: 21q22.3.
Variant type: single nucleotide variant.
Coding change: c.952+1G>T on transcript NM_001256317.3 (MANE Select); the canonical splice donor site of the intron after coding-DNA position 952, G replaced by T.
Molecular consequence: splice donor variant. On other transcripts: missense variant (1).
Genome position (GRCh38, 1-based): chr21:42,382,064, C>A on the plus strand (G>T on the coding strand, the complement: TMPRSS3 is on the minus strand). VCF-style: chr21-42382064-C-A. GRCh37 (hg19) VCF-style: chr21-43802173-C-A.
Other names: c.953G>T, p.Gly318Val (NM_032405.2); c.952+1G>T (NM_024022.4); c.571+1G>T (NM_032404.3); short protein forms G318V.
Identifiers: ClinVar variation 4695895 (VCV004695895.1).

ClinVar aggregate classification (germline): Likely pathogenic (1 of 4 stars; one submission).

Submission:

Labcorp Genetics (formerly Invitae), Labcorp
Classification: Likely pathogenic. Last evaluated: 2025-05-15. Review status: criteria provided, single submitter. Criteria: Invitae Variant Classification Sherloc (09022015). Collection method: clinical testing. Allele origin: germline.
Comment: This sequence change affects a donor splice site in intron 9 of the TMPRSS3 gene. It is expected to disrupt RNA splicing. Variants that disrupt the donor or acceptor splice site typically lead to a loss of protein function (PMID: 16199547), and loss-of-function variants in TMPRSS3 are known to be pathogenic (PMID: 16021470, 26969326). This variant is not present in population databases (gnomAD no frequency). This variant has not been reported in the literature in individuals affected with TMPRSS3-related conditions. Algorithms developed to predict the effect of sequence changes on RNA splicing suggest that this variant may disrupt the consensus splice site. In summary, the currently available evidence indicates that the variant is pathogenic, but additional data are needed to prove that conclusively. Therefore, this variant has been classified as Likely Pathogenic.

Literature cited by the submitters: PubMed 16199547; PubMed 16021470; PubMed 26969326.